The following is an entry in ClinVar:

ClinVar aggregate classification (germline): Uncertain significance (1 of 4 stars; one submission).

gnomAD v4.1: 2 of 1,604,024 alleles (0.00012%); highest among the groups gnomAD compares: Non-Finnish European, 0.00017%; no homozygotes.

Submission:

Women's Health and Genetics/Laboratory Corporation of America, LabCorp
Classification: Uncertain significance. Last evaluated: 2022-11-03. Review status: criteria provided, single submitter. Criteria: LabCorp Variant Classification Summary - May 2015. Collection method: clinical testing. Allele origin: germline.
Comment: Variant summary: TTN c.20199T>A (p.His6733Gln) results in a non-conservative amino acid change located in the I-band of the encoded protein sequence. Two of three in-silico tools predict a damaging effect of the variant on protein function. The variant was absent in 244236 control chromosomes (gnomAD). The available data on variant occurrences in the general population are insufficient to allow any conclusion about variant significance. To our knowledge, no occurrence of c.20199T>A in individuals affected with Limb-Girdle Muscular Dystrophy, Type 2J and no experimental evidence demonstrating its impact on protein function have been reported. No clinical diagnostic laboratories have submitted clinical-significance assessments for this variant to ClinVar after 2014. Based on the evidence outlined above, the variant was classified as uncertain significance.

NM_001267550.2(TTN):c.23931T>A (p.His7977Gln)

Gene: TTN (titin; minus strand). Cytogenetic location: 2q31.2.
Variant type: single nucleotide variant.
Coding change: c.23931T>A on transcript NM_001267550.2 (MANE Select); coding-DNA position 23931, T replaced by A.
Protein change: p.His7977Gln; replaces histidine 7977 with glutamine.
Molecular consequence: missense variant. On other transcripts: intron variant (3).
Genome position (GRCh38, 1-based): chr2:178,719,561, A>T on the plus strand (T>A on the coding strand, the complement: TTN is on the minus strand). VCF-style: chr2-178719561-A-T. GRCh37 (hg19) VCF-style: chr2-179584288-A-T.
Other names: c.22980T>A, p.His7660Gln (NM_001256850.1); c.20199T>A, p.His6733Gln (NM_133378.4); c.13282+18521T>A (NM_003319.4); c.13858+18521T>A (NM_133437.4); c.13657+18521T>A (NM_133432.3); short protein forms H6733Q, H7660Q, H7977Q.
Identifiers: ClinVar variation 1804849 (VCV001804849.1), dbSNP rs1340162231, ClinGen allele CA349504032.